The following is an entry in ClinVar:

NM_000388.4(CASR):c.104G>A (p.Gly35Glu)

Gene: CASR (calcium sensing receptor; plus strand). Cytogenetic location: 3q21.1.
Variant type: single nucleotide variant.
Coding change: c.104G>A on transcript NM_000388.4 (MANE Select); coding-DNA position 104, G replaced by A.
Protein change: p.Gly35Glu; replaces glycine 35 with glutamic acid.
Molecular consequence: missense variant.
Genome position (GRCh38, 1-based): chr3:122,254,293, G>A. VCF-style: chr3-122254293-G-A. GRCh37 (hg19) VCF-style: chr3-121973140-G-A.
Other names: c.104G>A, p.Gly35Glu (NM_001178065.2); short protein forms G35E.
Identifiers: ClinVar variation 2133209 (VCV002133209.4), dbSNP rs2473205445, ClinGen allele CA354362139.

ClinVar aggregate classification (germline): Uncertain significance (1 of 4 stars; one submission).

Conditions:
Familial hypocalciuric hypercalcemia (FHH). Also called: Familial benign hypercalcemia. Identifiers: Orphanet 405, MedGen C1809471, MONDO:0018458.
Autosomal dominant hypocalcemia 1 (HYPOC1). Also called: HYPOCALCEMIA, FAMILIAL. Identifiers: MedGen C3715128, MONDO:0011013, OMIM 601198.

Submission:

Labcorp Genetics (formerly Invitae), Labcorp
Classification: Uncertain significance for Familial hypocalciuric hypercalcemia; Autosomal dominant hypocalcemia 1. Last evaluated: 2022-05-03. Review status: criteria provided, single submitter. Criteria: Invitae Variant Classification Sherloc (09022015). Collection method: clinical testing. Allele origin: germline.
Comment: This variant is not present in population databases (gnomAD no frequency). This variant has not been reported in the literature in individuals affected with CASR-related conditions. Algorithms developed to predict the effect of missense changes on protein structure and function (SIFT, PolyPhen-2, Align-GVGD) all suggest that this variant is likely to be disruptive. In summary, the available evidence is currently insufficient to determine the role of this variant in disease. Therefore, it has been classified as a Variant of Uncertain Significance. This sequence change replaces glycine, which is neutral and non-polar, with glutamic acid, which is acidic and polar, at codon 35 of the CASR protein (p.Gly35Glu).